The following is an entry in ClinVar:

ClinVar aggregate classification (germline): Uncertain significance (1 of 4 stars; one submission).

Conditions:
IPO8-related disorder. Also called: IPO8-related condition.

gnomAD v4.1: 15 of 1,593,350 alleles (0.00094%); highest among the groups gnomAD compares: Non-Finnish European, 0.0013%; no homozygotes.

Submission:

PreventionGenetics, part of Exact Sciences
Classification: Uncertain significance for IPO8-related condition. Last evaluated: 2026-06-17. Review status: criteria provided, single submitter. Criteria: ACMG Guidelines, 2015. Collection method: clinical testing. Allele origin: germline.
Comment: The IPO8 c.860T>C variant is predicted to result in the amino acid substitution p.Phe287Ser. To our knowledge, this variant has not been reported in the literature. This variant is reported in 0.0026% of alleles in individuals of European (Non-Finnish) descent in gnomAD. At this time, the clinical significance of this variant is uncertain due to the absence of conclusive functional and genetic evidence.

NM_006390.4(IPO8):c.860T>C (p.Phe287Ser)

Gene: IPO8 (importin 8; minus strand). Cytogenetic location: 12p11.21.
Variant type: single nucleotide variant.
Coding change: c.860T>C on transcript NM_006390.4 (MANE Select); coding-DNA position 860, T replaced by C.
Protein change: p.Phe287Ser; replaces phenylalanine 287 with serine.
Molecular consequence: missense variant.
Genome position (GRCh38, 1-based): chr12:30,674,039, A>G on the plus strand (T>C on the coding strand, the complement: IPO8 is on the minus strand). VCF-style: chr12-30674039-A-G. GRCh37 (hg19) VCF-style: chr12-30826973-A-G.
Other names: c.245T>C, p.Phe82Ser (NM_001190995.2); short protein forms F287S, F82S.
Identifiers: ClinVar variation 4977596 (VCV004977596.1).